The following is an entry in ClinVar:

NM_001466.4(FZD2):c.1556C>T (p.Thr519Met)

Gene: FZD2 (frizzled class receptor 2; plus strand). Cytogenetic location: 17q21.31.
Variant type: single nucleotide variant.
Coding change: c.1556C>T on transcript NM_001466.4 (MANE Select); coding-DNA position 1556, C replaced by T.
Protein change: p.Thr519Met; replaces threonine 519 with methionine.
Molecular consequence: missense variant.
Genome position (GRCh38, 1-based): chr17:44,559,244, C>T. VCF-style: chr17-44559244-C-T. GRCh37 (hg19) VCF-style: chr17-42636612-C-T.
Other names: short protein forms T519M.
Identifiers: ClinVar variation 1720445 (VCV001720445.5), dbSNP rs1970861473, ClinGen allele CA399800055.
Genomic context (GRCh38, chr17:44,559,244, plus strand): 5'-GCAAGAGCCTGGCCATCCCGTGCCCGGCGCACTACACGCCGCGCATGTCGCCCGACTTCA[C>T]GGTCTACATGATCAAATACCTCATGACGCTCATCGTGGGCATCACGTCGGGCTTCTGGAT-3'
Protein context (NP_001457.1, residues 509-529): HYTPRMSPDF[Thr519Met]VYMIKYLMTL

ClinVar aggregate classification (germline): Uncertain significance (1 of 4 stars; one submission).

Allele frequency attached by ClinVar (database versions not stated): gnomAD exomes below 0.00001.

Submission:

Labcorp Genetics (formerly Invitae), Labcorp
Classification: Uncertain significance. Last evaluated: 2022-09-27. Review status: criteria provided, single submitter. Criteria: Invitae Variant Classification Sherloc (09022015). Collection method: clinical testing. Allele origin: germline.
Comment: In summary, the available evidence is currently insufficient to determine the role of this variant in disease. Therefore, it has been classified as a Variant of Uncertain Significance. This sequence change replaces threonine, which is neutral and polar, with methionine, which is neutral and non-polar, at codon 519 of the FZD2 protein (p.Thr519Met). This variant is not present in population databases (gnomAD no frequency). This variant has not been reported in the literature in individuals affected with FZD2-related conditions. Advanced modeling of protein sequence and biophysical properties (such as structural, functional, and spatial information, amino acid conservation, physicochemical variation, residue mobility, and thermodynamic stability) performed at Invitae indicates that this missense variant is not expected to disrupt FZD2 protein function.